The following is an entry in ClinVar:

ClinVar aggregate classification (germline): Uncertain significance (1 of 4 stars; one submission).

gnomAD v4.1: 1 of 1,614,018 alleles (0.000062%); highest among the groups gnomAD compares: Non-Finnish European, 0.000085%; no homozygotes.

Submission:

Dasa
Classification: Uncertain significance. Last evaluated: 2024-08-03. Review status: criteria provided, single submitter. Criteria: DASA Assertion Criteria. Collection method: clinical testing. Allele origin: germline.
Comment: NM_006662.3(SRCAP):c.848A>G (p.Asp283Gly) is a missense variant that results in the substitution of aspartic acid with glycine. This variant is rare in population databases. The currently available literature and clinical evidence are not sufficient to establish a definitive association between this variant and the reported condition. Therefore, this variant is classified as a variant of uncertain significance.

NM_006662.3(SRCAP):c.848A>G (p.Asp283Gly)

Gene: SRCAP (Snf2 related CREBBP activator protein; plus strand). Cytogenetic location: 16p11.2.
Variant type: single nucleotide variant.
Coding change: c.848A>G on transcript NM_006662.3 (MANE Select); coding-DNA position 848, A replaced by G.
Protein change: p.Asp283Gly; replaces aspartic acid 283 with glycine.
Molecular consequence: missense variant.
Genome position (GRCh38, 1-based): chr16:30,709,727, A>G. VCF-style: chr16-30709727-A-G. GRCh37 (hg19) VCF-style: chr16-30721048-A-G.
Other names: short protein forms D283G.
Identifiers: ClinVar variation 4885949 (VCV004885949.2).